The following is an entry in ClinVar:

NM_005732.4(RAD50):c.3439A>G (p.Ile1147Val)

Genes: TH2LCRR (T helper type 2 locus control region associated RNA; minus strand), TH2-LCR (Th2 cytokine locus control region; plus strand), RAD50 (RAD50 double strand break repair protein; plus strand). Cytogenetic location: 5q31.1.
Variant type: single nucleotide variant.
Coding change: c.3439A>G on transcript NM_005732.4 (MANE Select); coding-DNA position 3439, A replaced by G.
Protein change: p.Ile1147Val; replaces isoleucine 1147 with valine.
Molecular consequence: missense variant.
Genome position (GRCh38, 1-based): chr5:132,637,164, A>G. VCF-style: chr5-132637164-A-G. GRCh37 (hg19) VCF-style: chr5-131972856-A-G.
Other names: short protein forms I1147V.
Identifiers: ClinVar variation 644221 (VCV000644221.10), dbSNP rs1581020219, ClinGen allele CA360930275.

ClinVar aggregate classification (germline): Uncertain significance. Review status: criteria provided, multiple submitters, no conflicts (2 of 4 stars). 2 submissions from 2 submitters: Uncertain significance (2). Last evaluated 2025-07-31.

Conditions:
Hereditary cancer-predisposing syndrome. Also called: Neoplastic Syndromes, Hereditary; Tumor predisposition; Hereditary neoplastic syndrome; Hereditary Cancer Syndrome. Identifiers: Orphanet 140162, MedGen C0027672, MeSH D009386, MONDO:0015356.

Allele frequency attached by ClinVar (database versions not stated): gnomAD exomes below 0.00001.
gnomAD v4.1: 4 of 1,612,564 alleles (0.00025%); highest among the groups gnomAD compares: African/African-American, 0.0013%; no homozygotes.

Submissions (2):

Labcorp Genetics (formerly Invitae), Labcorp
Classification: Uncertain significance for Hereditary cancer-predisposing syndrome. Last evaluated: 2025-07-31. Review status: criteria provided, single submitter. Criteria: Invitae Variant Classification Sherloc (09022015). Collection method: clinical testing. Allele origin: germline.
Comment: This sequence change replaces isoleucine, which is neutral and non-polar, with valine, which is neutral and non-polar, at codon 1147 of the RAD50 protein (p.Ile1147Val). This variant is not present in population databases (gnomAD no frequency). This variant has not been reported in the literature in individuals affected with RAD50-related conditions. ClinVar contains an entry for this variant (Variation ID: 644221). Invitae Evidence Modeling of protein sequence and biophysical properties (such as structural, functional, and spatial information, amino acid conservation, physicochemical variation, residue mobility, and thermodynamic stability) indicates that this missense variant is not expected to disrupt RAD50 protein function with a negative predictive value of 80%. RNA analysis performed to evaluate the impact of this missense change on mRNA splicing indicates it does not significantly alter splicing (internal data). In summary, the available evidence is currently insufficient to determine the role of this variant in disease. Therefore, it has been classified as a Variant of Uncertain Significance.

Ambry Genetics
Classification: Uncertain significance for Hereditary cancer-predisposing syndrome. Last evaluated: 2024-04-28. Review status: criteria provided, single submitter. Criteria: Ambry Variant Classification Scheme 2023. Collection method: clinical testing. Allele origin: germline.
Comment: The p.I1147V variant (also known as c.3439A>G), located in coding exon 22 of the RAD50 gene, results from an A to G substitution at nucleotide position 3439. The isoleucine at codon 1147 is replaced by valine, an amino acid with highly similar properties. This amino acid position is conserved. In addition, this alteration is predicted to be tolerated by in silico analysis. Since supporting evidence is limited at this time, the clinical significance of this alteration remains unclear.